The following is an entry in ClinVar:

ClinVar aggregate classification (germline): Likely benign. Review status: criteria provided, single submitter (1 of 4 stars). 2 submissions from 2 submitters: Likely benign (1). 1 of the submissions does not count toward it. Last evaluated 2025-06-23.

Conditions:
PHIP-related disorder. Also called: PHIP-related condition; PHIP-related disorders.

Allele frequency attached by ClinVar (database versions not stated): gnomAD exomes 0.00001; ExAC 0.00006; ESP Exome Variant Server 0.00008; gnomAD 0.00008; TOPMed 0.00009; 1000 Genomes Project 30x 0.00016; 1000 Genomes Project 0.00020.
gnomAD v4.1: 27 of 1,607,174 alleles (0.0017%); highest among the groups gnomAD compares: African/African-American, 0.035%; no homozygotes.

Submissions (2):

Labcorp Genetics (formerly Invitae), Labcorp
Classification: Likely benign. Last evaluated: 2025-06-23. Review status: criteria provided, single submitter. Criteria: Invitae Variant Classification Sherloc (09022015). Collection method: clinical testing. Allele origin: germline.

PreventionGenetics, part of Exact Sciences
Classification: Likely benign for PHIP-related condition. Last evaluated: 2023-04-27. Review status: no assertion criteria provided. Collection method: clinical testing. Allele origin: germline. Not counted in ClinVar's aggregate classification.
Comment: This variant is classified as likely benign based on ACMG/AMP sequence variant interpretation guidelines (Richards et al. 2015 PMID: 25741868, with internal and published modifications).

NM_017934.7(PHIP):c.5465A>G (p.Ter1822=)

Genes: IRAK1BP1 (interleukin 1 receptor associated kinase 1 binding protein 1; plus strand), PHIP (PHIP subunit of CUL4-Ring ligase complex; minus strand). Cytogenetic location: 6q14.1.
Variant type: single nucleotide variant.
Coding change: c.5465A>G on transcript NM_017934.7 (MANE Select); coding-DNA position 5465, A replaced by G.
Protein change: p.Ter1822=.
Molecular consequence: synonymous variant.
Genome position (GRCh38, 1-based): chr6:78,940,694, T>C on the plus strand (A>G on the coding strand, the complement: PHIP is on the minus strand). VCF-style: chr6-78940694-T-C. GRCh37 (hg19) VCF-style: chr6-79650411-T-C.
Other names: c.5465A>G (NM_017934.6).
Identifiers: ClinVar variation 2181425 (VCV002181425.6), dbSNP rs145421010, ClinGen allele CA3899263.